The following is an entry in ClinVar:

ClinVar aggregate classification (germline): Uncertain significance (1 of 4 stars; one submission).

Allele frequency attached by ClinVar (database versions not stated): ExAC 0.00001.
gnomAD v4.1: 3 of 1,614,124 alleles (0.00019%); highest among the groups gnomAD compares: Admixed American, 0.005%; no homozygotes.

Submission:

Labcorp Genetics (formerly Invitae), Labcorp
Classification: Uncertain significance. Last evaluated: 2022-03-29. Review status: criteria provided, single submitter. Criteria: Invitae Variant Classification Sherloc (09022015). Collection method: clinical testing. Allele origin: germline.
Comment: Algorithms developed to predict the effect of missense changes on protein structure and function are either unavailable or do not agree on the potential impact of this missense change (SIFT: "Not Available"; PolyPhen-2: "Possibly Damaging"; Align-GVGD: "Not Available"). In summary, the available evidence is currently insufficient to determine the role of this variant in disease. Therefore, it has been classified as a Variant of Uncertain Significance. This variant has not been reported in the literature in individuals affected with ADAMTS18-related conditions. This variant is present in population databases (rs764614436, gnomAD 0.006%). This sequence change replaces serine, which is neutral and polar, with cysteine, which is neutral and slightly polar, at codon 154 of the ADAMTS18 protein (p.Ser154Cys).

NM_199355.4(ADAMTS18):c.461C>G (p.Ser154Cys)

Gene: ADAMTS18 (ADAM metallopeptidase with thrombospondin type 1 motif 18; minus strand). Cytogenetic location: 16q23.1.
Variant type: single nucleotide variant.
Coding change: c.461C>G on transcript NM_199355.4 (MANE Select); coding-DNA position 461, C replaced by G.
Protein change: p.Ser154Cys; replaces serine 154 with cysteine.
Molecular consequence: missense variant. On other transcripts: 5 prime UTR variant (1).
Genome position (GRCh38, 1-based): chr16:77,431,329, G>C on the plus strand (C>G on the coding strand, the complement: ADAMTS18 is on the minus strand). VCF-style: chr16-77431329-G-C. GRCh37 (hg19) VCF-style: chr16-77465226-G-C.
Other names: c.-60C>G (NM_001326358.2); short protein forms S154C.
Identifiers: ClinVar variation 2029312 (VCV002029312.4), dbSNP rs764614436, ClinGen allele CA8181679.
Genomic context (GRCh38, chr16:77,431,329, plus strand): 5'-CTCAACTCAGACTGGGGTGTACTTACCAAGCCAGCACACGTAGACACAGCGACAGAGGAG[G>C]AGCTGTCATTTCTGATAAATCCCTGATAGAAGCATTGCTGCACCTCGGGTTTCTGAGTCT-3'
Protein context (NP_955387.1, residues 144-164): FYQGFIRNDS[Ser154Cys]SSVAVSTCAG